The following is an entry in ClinVar:

ClinVar aggregate classification (germline): Conflicting classifications of pathogenicity. Review status: criteria provided, conflicting classifications (1 of 4 stars). 5 submissions from 5 submitters: Uncertain significance (4); Likely benign (1). Last evaluated 2025-03-20.

Conditions:
Occult macular dystrophy (OCMD). Also called: OMD; OCCULT MACULAR DYSTROPHY, SUSCEPTIBILITY TO. Identifiers: Orphanet 247834, MedGen C3150833, MONDO:0013316, OMIM 613587, HP:0030636.
RP1L1-related disorder. Also called: RP1L1-related condition.
Retinitis pigmentosa 88. Identifiers: MedGen C5394208, MONDO:0032940, OMIM 618826.
Inborn genetic diseases. Identifiers: MedGen C0950123, MeSH D030342.

Allele frequency attached by ClinVar (database versions not stated): gnomAD 0.00006 and 0.00005; ExAC 0.00007; TOPMed 0.00008; gnomAD exomes 0.00009 and 0.00021; 1000 Genomes Project 30x 0.00016; 1000 Genomes Project 0.00020.
gnomAD v4.1: 300 of 1,614,170 alleles (0.019%); highest among the groups gnomAD compares: Non-Finnish European, 0.025%; no homozygotes.

Submissions (5):

PreventionGenetics, part of Exact Sciences
Classification: Uncertain significance for RP1L1-related condition. Last evaluated: 2025-03-20. Review status: criteria provided, single submitter. Criteria: ACMG Guidelines, 2015. Collection method: clinical testing. Allele origin: germline.
Comment: The RP1L1 c.5326A>T variant is predicted to result in the amino acid substitution p.Thr1776Ser. To our knowledge, this variant has not been reported in the literature. This variant is present in 0.017% of alleles in individuals of European (Non-Finnish) descent in gnomAD. At this time, the clinical significance of this variant is uncertain due to the absence of conclusive functional and genetic evidence.

Blueprint Genetics
Classification: Uncertain significance. Last evaluated: 2024-09-11. Review status: criteria provided, single submitter. Criteria: ACMG Guidelines, 2015. Collection method: clinical testing. Allele origin: germline.

Ambry Genetics
Classification: Uncertain significance for Inborn genetic diseases. Last evaluated: 2023-01-06. Review status: criteria provided, single submitter. Criteria: Ambry Variant Classification Scheme 2023. Collection method: clinical testing. Allele origin: germline.

Department of Pathology and Laboratory Medicine, Sinai Health System
Classification: Uncertain significance for Occult macular dystrophy; Retinitis pigmentosa 88. Last evaluated: 2022-07-04. Review status: criteria provided, single submitter. Criteria: ACMG Guidelines, 2015. Collection method: research. Allele origin: germline.

Illumina Laboratory Services, Illumina
Classification: Likely benign for Occult macular dystrophy. Last evaluated: 2018-01-12. Review status: criteria provided, single submitter. Criteria: ICSL Variant Classification Criteria 13 December 2019. Collection method: clinical testing. Allele origin: germline.
Comment: This variant was observed in the ICSL laboratory as part of a predisposition screen in an ostensibly healthy population. It had not been previously curated by ICSL or reported in the Human Gene Mutation Database (HGMD: prior to June 1st, 2018), and was therefore a candidate for classification through an automated scoring system. Utilizing variant allele frequency, disease prevalence and penetrance estimates, and inheritance mode, an automated score was calculated to assess if this variant is too frequent to cause the disease. Based on the score and internal cut-off values, a variant classified as likely benign is not then subjected to further curation. The score for this variant resulted in a classification of likely benign for this disease.

NM_178857.6(RP1L1):c.5326A>T (p.Thr1776Ser)

Gene: RP1L1 (RP1 like 1). Cytogenetic location: 8p23.1.
Variant type: single nucleotide variant.
Coding change: c.5326A>T on transcript NM_178857.6 (MANE Select); coding-DNA position 5326, A replaced by T.
Protein change: p.Thr1776Ser; replaces threonine 1776 with serine.
Molecular consequence: missense variant.
Genome position (GRCh38, 1-based): chr8:10,608,772, T>A on the plus strand (A>T on the coding strand, the complement: RP1L1 is on the minus strand). VCF-style: chr8-10608772-T-A. GRCh37 (hg19) VCF-style: chr8-10466282-T-A.
Other names: short protein forms T1776S.
Identifiers: ClinVar variation 908284 (VCV000908284.9), dbSNP rs199996267, ClinGen allele CA4623693.